The following is an entry in ClinVar:

ClinVar aggregate classification (germline): Uncertain significance. Review status: criteria provided, multiple submitters, no conflicts (2 of 4 stars). 2 submissions from 2 submitters: Uncertain significance (2). Last evaluated 2026-07-05.

Submissions (2):

Ambry Genetics
Classification: Uncertain significance. Last evaluated: 2026-07-05. Review status: criteria provided, single submitter. Criteria: Ambry Variant Classification Scheme 2023. Collection method: clinical testing. Allele origin: germline.
Comment: The p.Y450C variant (also known as c.1349A>G), located in coding exon 8 of the RNF43 gene, results from an A to G substitution at nucleotide position 1349. The tyrosine at codon 450 is replaced by cysteine, an amino acid with highly dissimilar properties. This amino acid position is conserved. In addition, this alteration is predicted to be tolerated by in silico analysis. Based on the available evidence, the clinical significance of this variant remains unclear.

Labcorp Genetics (formerly Invitae), Labcorp
Classification: Uncertain significance. Last evaluated: 2024-05-07. Review status: criteria provided, single submitter. Criteria: Invitae Variant Classification Sherloc (09022015). Collection method: clinical testing. Allele origin: germline.
Comment: This sequence change replaces tyrosine, which is neutral and polar, with cysteine, which is neutral and slightly polar, at codon 450 of the RNF43 protein (p.Tyr450Cys). This variant is not present in population databases (gnomAD no frequency). This variant has not been reported in the literature in individuals affected with RNF43-related conditions. ClinVar contains an entry for this variant (Variation ID: 1466445). An algorithm developed to predict the effect of missense changes on protein structure and function (PolyPhen-2) suggests that this variant is likely to be disruptive. In summary, the available evidence is currently insufficient to determine the role of this variant in disease. Therefore, it has been classified as a Variant of Uncertain Significance.

NM_017763.6(RNF43):c.1349A>G (p.Tyr450Cys)

Gene: RNF43 (ring finger protein 43; minus strand). Cytogenetic location: 17q22.
Variant type: single nucleotide variant.
Coding change: c.1349A>G on transcript NM_017763.6 (MANE Select); coding-DNA position 1349, A replaced by G.
Protein change: p.Tyr450Cys; replaces tyrosine 450 with cysteine.
Molecular consequence: missense variant.
Genome position (GRCh38, 1-based): chr17:58,358,427, T>C on the plus strand (A>G on the coding strand, the complement: RNF43 is on the minus strand). VCF-style: chr17-58358427-T-C. GRCh37 (hg19) VCF-style: chr17-56435788-T-C.
Other names: c.1349A>G, p.Tyr450Cys (NM_001305544.3); c.968A>G, p.Tyr323Cys (NM_001305545.2); c.1349A>G (NM_017763.4); short protein forms Y450C, Y323C.
Identifiers: ClinVar variation 1466445 (VCV001466445.7), dbSNP rs2143415210, ClinGen allele CA400330170.
Genomic context (GRCh38, chr17:58,358,427, plus strand): 5'-GGCCCTGAGCTGGAGTCACTGGCTGGCCCATCTGCCAGGTACCCACTGCGTTCTGTGCAA[T>C]AGCTTTCTCCAGATCCACTGCTGTCAGGGGGCCTGGCCCGGCGTAGGGGCACTGGGCAAG-3'
Protein context (NP_060233.3, residues 440-460): PPDSSGSGES[Tyr450Cys]CTERSGYLAD